The following is an entry in ClinVar:

NM_000276.4(OCRL):c.872C>G (p.Ser291Cys)

Gene: OCRL (OCRL inositol polyphosphate-5-phosphatase; plus strand). Cytogenetic location: Xq26.1.
Variant type: single nucleotide variant.
Coding change: c.872C>G on transcript NM_000276.4 (MANE Select); coding-DNA position 872, C replaced by G.
Protein change: p.Ser291Cys; replaces serine 291 with cysteine.
Molecular consequence: missense variant.
Genome position (GRCh38, 1-based): chrX:129,561,226, C>G. VCF-style: chrX-129561226-C-G. GRCh37 (hg19) VCF-style: chrX-128695203-C-G.
Other names: c.875C>G, p.Ser292Cys (NM_001318784.2); c.872C>G, p.Ser291Cys (NM_001587.4); short protein forms S291C, S292C.
Identifiers: ClinVar variation 2630596 (VCV002630596.1), dbSNP rs2521885447, ClinGen allele CA414552274.
Genomic context (GRCh38, chrX:129,561,226, plus strand): 5'-CTTTTTTCCTCAGATTCCAAGAACTGGACTTGAGCACAGAAGCCTTCTTCTACTTTGAAT[C>G]TGTGAAGGAACAAGAATGGTCCATGGCTGTAGAGAGAGGTTTGCATTCCAAAGCCAAGTA-3'
Protein context (NP_000267.2, residues 281-301): LSTEAFFYFE[Ser291Cys]VKEQEWSMAV

ClinVar aggregate classification (germline): Uncertain significance (1 of 4 stars; one submission).

Conditions:
OCRL-related disorder. Also called: OCRL-related condition.

Submission:

PreventionGenetics, part of Exact Sciences
Classification: Uncertain significance for OCRL-related condition. Last evaluated: 2023-02-06. Review status: criteria provided, single submitter. Criteria: ACMG Guidelines, 2015. Collection method: clinical testing. Allele origin: germline.
Comment: The OCRL c.872C>G variant is predicted to result in the amino acid substitution p.Ser291Cys. To our knowledge, this variant has not been reported in the literature or in a large population database, indicating this variant is rare. At this time, the clinical significance of this variant is uncertain due to the absence of conclusive functional and genetic evidence.